The following is an entry in ClinVar:

NM_005411.5(SFTPA1):c.725G>A (p.Arg242Gln)

Gene: SFTPA1 (surfactant protein A1; plus strand). Cytogenetic location: 10q22.3.
Variant type: single nucleotide variant.
Coding change: c.725G>A on transcript NM_005411.5 (MANE Select); coding-DNA position 725, G replaced by A.
Protein change: p.Arg242Gln; replaces arginine 242 with glutamine.
Molecular consequence: missense variant.
Genome position (GRCh38, 1-based): chr10:79,614,091, G>A. VCF-style: chr10-79614091-G-A. GRCh37 (hg19) VCF-style: chr10-81373847-G-A.
Other names: c.770G>A, p.Arg257Gln (NM_001093770.3); c.725G>A, p.Arg242Gln (NM_001164644.2, NM_001164647.1); c.623G>A, p.Arg208Gln (NM_001164645.2); c.578G>A, p.Arg193Gln (NM_001164646.2); short protein forms R193Q, R208Q, R242Q, R257Q.
Identifiers: ClinVar variation 936075 (VCV000936075.10), dbSNP rs1160807920, ClinGen allele CA377357041.

ClinVar aggregate classification (germline): Uncertain significance. Review status: criteria provided, multiple submitters, no conflicts (2 of 4 stars). 2 submissions from 2 submitters: Uncertain significance (2). Last evaluated 2026-04-10.

Conditions:
Interstitial lung disease 1. Identifiers: MedGen C5562021, MONDO:0030608, OMIM 619611.

Allele frequency attached by ClinVar (database versions not stated): TOPMed 0.00002.
gnomAD v4.1: 11 of 1,614,186 alleles (0.00068%); highest among the groups gnomAD compares: South Asian, 0.0011%; no homozygotes.

Submissions (2):

Victorian Clinical Genetics Services, Murdoch Childrens Research Institute
Classification: Uncertain significance for Interstitial lung disease 1. Last evaluated: 2026-04-10. Review status: criteria provided, single submitter. Criteria: ACMG Guidelines, 2015. Collection method: clinical testing. Allele origin: germline. Affected: yes.
Comment: This variant is classified as VUS-3A. Evidence in support of pathogenic classification: Variant is present in gnomAD <0.001 for a dominant condition (v4: 11 heterozygote(s), 0 homozygote(s)). Additional information: Variant is predicted to result in a missense amino acid change from Arg to Gln; This variant is heterozygous; This gene is associated with autosomal dominant disease. Biallelic inheritance has also been reported however there is limited evidence (PMID: 31601679); Alternative amino acid change(s) at the same position are present in gnomAD (highest allele count: v4: 5 heterozygote(s), 0 homozygote(s)); Previous evidence of pathogenicity for this variant is inconclusive. This variant has been classified as a VUS by a clinical laboratory in ClinVar. The same amino acid change p.(Arg242Gln) has also been reported in the paralogous gene SFTPA2, in two individuals with ILD (PMID: 32855221); No published evidence of segregation with disease has been identified for this variant; No published functional evidence has been identified for this variant; No comparable missense variants have previous evidence for pathogenicity; Variant is located in the annotated lectin C-type domain (DECIPHER); Missense variant with inconclusive in silico prediction and/or uninformative conservation; The mechanism of disease for this gene is not clearly established. The mechanism is suspected to be similar to SFTPA2 where variants cause loss of secretion and intracellular accumulation, displaying both loss and gain of function effects (ClinGen CCID:008688, PMID: 40700718); Variants in this gene are known to have variable expressivity. This gene is known to have very variable severity and age of onset, which is reported to be associated with environmental factors (PMIDs: 26792177, 40491472); Inheritance information for this variant is not currently available in this individual.

Labcorp Genetics (formerly Invitae), Labcorp
Classification: Uncertain significance. Last evaluated: 2019-05-14. Review status: criteria provided, single submitter. Criteria: Invitae Variant Classification Sherloc (09022015). Collection method: clinical testing. Allele origin: germline.
Comment: In summary, the available evidence is currently insufficient to determine the role of this variant in disease. Therefore, it has been classified as a Variant of Uncertain Significance. Algorithms developed to predict the effect of missense changes on protein structure and function (SIFT, PolyPhen-2, Align-GVGD) all suggest that this variant is likely to be disruptive, but these predictions have not been confirmed by published functional studies and their clinical significance is uncertain. This variant has not been reported in the literature in individuals with SFTPA1-related conditions. This variant is not present in population databases (ExAC no frequency). This sequence change replaces arginine with glutamine at codon 242 of the SFTPA1 protein (p.Arg242Gln). The arginine residue is highly conserved and there is a small physicochemical difference between arginine and glutamine.

Literature cited by the submitters: PubMed 40491472 (cited by Victorian Clinical Genetics Services, Murdoch Childrens Research Institute); PubMed 32855221 (cited by Victorian Clinical Genetics Services, Murdoch Childrens Research Institute); PubMed 40700718 (cited by Victorian Clinical Genetics Services, Murdoch Childrens Research Institute); PubMed 26792177 (cited by Victorian Clinical Genetics Services, Murdoch Childrens Research Institute); PubMed 31601679 (cited by Victorian Clinical Genetics Services, Murdoch Childrens Research Institute).